The following is an entry in ClinVar:

NM_000038.6(APC):c.4165T>G (p.Ser1389Ala)

Gene: APC (APC regulator of Wnt signaling pathway; plus strand). Cytogenetic location: 5q22.2.
Variant type: single nucleotide variant.
Coding change: c.4165T>G on transcript NM_000038.6 (MANE Select); coding-DNA position 4165, T replaced by G.
Protein change: p.Ser1389Ala; replaces serine 1389 with alanine.
Molecular consequence: missense variant. On other transcripts: non-coding transcript variant (2).
Genome position (GRCh38, 1-based): chr5:112,839,759, T>G. VCF-style: chr5-112839759-T-G. GRCh37 (hg19) VCF-style: chr5-112175456-T-G.
Other names: c.4165T>G, p.Ser1389Ala (NM_001127510.3, NM_001354895.2, NM_001407450.1); c.4111T>G, p.Ser1371Ala (NM_001127511.3); c.4219T>G, p.Ser1407Ala (NM_001354896.2, NM_001407447.1, NM_001407448.1 and 1 more transcripts); c.4195T>G, p.Ser1399Ala (NM_001354897.2); c.4090T>G, p.Ser1364Ala (NM_001354898.2); c.4081T>G, p.Ser1361Ala (NM_001354899.2); c.4042T>G, p.Ser1348Ala (NM_001354900.2); c.3988T>G, p.Ser1330Ala (NM_001354901.2, NM_001407453.1); and 11 more; short protein forms S1106A, S1263A, S1306A, S1330A, S1348A, S1364A, S1382A, S1389A.
Identifiers: ClinVar variation 4581901 (VCV004581901.1).

ClinVar aggregate classification (germline): Uncertain significance (1 of 4 stars; one submission).

Conditions:
Hereditary cancer-predisposing syndrome. Also called: Neoplastic Syndromes, Hereditary; Tumor predisposition; Hereditary Cancer Syndrome; Hereditary neoplastic syndrome. Identifiers: Orphanet 140162, MedGen C0027672, MeSH D009386, MONDO:0015356.

Submission:

Ambry Genetics
Classification: Uncertain significance for Hereditary cancer-predisposing syndrome. Last evaluated: 2025-10-22. Review status: criteria provided, single submitter. Criteria: Ambry Variant Classification Scheme 2023. Collection method: clinical testing. Allele origin: germline.
Comment: The p.S1389A variant (also known as c.4165T>G), located in coding exon 15 of the APC gene, results from a T to G substitution at nucleotide position 4165. The serine at codon 1389 is replaced by alanine, an amino acid with similar properties. This variant was reported in at least one individual with features consistent with familial adenomatous polyposis (Ambry internal data). Protein functional studies demonstrated that this variant may disrupt protein function (Rubinfeld B et al. J Biol Chem, 2001 Oct;276:39037-45). This amino acid position is highly conserved in available vertebrate species. In addition, in silico predictors for this gene do not accurately predict pathogenicity. Missense variants in APC are not a common cause of disease (Spier I et al. Genet Med. 2024 Feb;26(2):100992). Based on the available evidence, the clinical significance of this variant remains unclear.

Literature cited by the submitters: PubMed 11487578.